The following is an entry in ClinVar:

NM_000843.4(GRM6):c.1844T>A (p.Ile615Asn)

Genes: GRM6 (glutamate metabotropic receptor 6; minus strand), ZNF454 (zinc finger protein 454; plus strand). Cytogenetic location: 5q35.3.
Variant type: single nucleotide variant.
Coding change: c.1844T>A on transcript NM_000843.4 (MANE Select); coding-DNA position 1844, T replaced by A.
Protein change: p.Ile615Asn; replaces isoleucine 615 with asparagine.
Molecular consequence: missense variant.
Genome position (GRCh38, 1-based): chr5:178,986,410, A>T on the plus strand (T>A on the coding strand, the complement: GRM6 is on the minus strand). VCF-style: chr5-178986410-A-T. GRCh37 (hg19) VCF-style: chr5-178413411-A-T.
Other names: short protein forms I615N.
Identifiers: ClinVar variation 1063828 (VCV001063828.9), dbSNP rs2113328250, ClinGen allele CA362426379.

ClinVar aggregate classification (germline): Uncertain significance (1 of 4 stars; one submission).

Submission:

Labcorp Genetics (formerly Invitae), Labcorp
Classification: Uncertain significance. Last evaluated: 2021-01-14. Review status: criteria provided, single submitter. Criteria: Invitae Variant Classification Sherloc (09022015). Collection method: clinical testing. Allele origin: germline.
Comment: Algorithms developed to predict the effect of missense changes on protein structure and function (SIFT, PolyPhen-2, Align-GVGD) all suggest that this variant is likely to be disruptive, but these predictions have not been confirmed by published functional studies and their clinical significance is uncertain. In summary, the available evidence is currently insufficient to determine the role of this variant in disease. Therefore, it has been classified as a Variant of Uncertain Significance. This sequence change replaces isoleucine with asparagine at codon 615 of the GRM6 protein (p.Ile615Asn). The isoleucine residue is highly conserved and there is a large physicochemical difference between isoleucine and asparagine. This variant is not present in population databases (ExAC no frequency). This variant has not been reported in the literature in individuals with GRM6-related conditions.